The following is an entry in ClinVar:

ClinVar aggregate classification (germline): Uncertain significance. Review status: criteria provided, multiple submitters, no conflicts (2 of 4 stars). 2 submissions from 2 submitters: Uncertain significance (2). Last evaluated 2025-11-20.

Conditions:
Inborn genetic diseases. Identifiers: MedGen C0950123, MeSH D030342.

Allele frequency attached by ClinVar (database versions not stated): gnomAD exomes 0.00001 and 0.00002; gnomAD 0.00001; ExAC 0.00002; TOPMed 0.00001.
gnomAD v4.1: 8 of 1,612,110 alleles (0.0005%); highest among the groups gnomAD compares: Admixed American, 0.013%; no homozygotes.

Submissions (2):

Ambry Genetics
Classification: Uncertain significance for Inborn genetic diseases. Last evaluated: 2025-11-20. Review status: criteria provided, single submitter. Criteria: Ambry Variant Classification Scheme 2023. Collection method: clinical testing. Allele origin: germline.

Labcorp Genetics (formerly Invitae), Labcorp
Classification: Uncertain significance. Last evaluated: 2021-09-24. Review status: criteria provided, single submitter. Criteria: Invitae Variant Classification Sherloc (09022015). Collection method: clinical testing. Allele origin: germline.
Comment: This sequence change replaces lysine with arginine at codon 691 of the TTC37 protein (p.Lys691Arg). The lysine residue is moderately conserved and there is a small physicochemical difference between lysine and arginine. This variant is present in population databases (rs754764122, ExAC 0.02%). This variant has not been reported in the literature in individuals with TTC37-related conditions. Algorithms developed to predict the effect of missense changes on protein structure and function (SIFT, PolyPhen-2, Align-GVGD) all suggest that this variant is likely to be tolerated, but these predictions have not been confirmed by published functional studies and their clinical significance is uncertain. In summary, the available evidence is currently insufficient to determine the role of this variant in disease. Therefore, it has been classified as a Variant of Uncertain Significance.

NM_014639.4(SKIC3):c.2072A>G (p.Lys691Arg)

Gene: SKIC3 (SKI3 subunit of superkiller complex; minus strand). Cytogenetic location: 5q15.
Variant type: single nucleotide variant.
Coding change: c.2072A>G on transcript NM_014639.4 (MANE Select); coding-DNA position 2072, A replaced by G.
Protein change: p.Lys691Arg; replaces lysine 691 with arginine.
Molecular consequence: missense variant.
Genome position (GRCh38, 1-based): chr5:95,520,758, T>C on the plus strand (A>G on the coding strand, the complement: SKIC3 is on the minus strand). VCF-style: chr5-95520758-T-C. GRCh37 (hg19) VCF-style: chr5-94856462-T-C.
Other names: c.2072A>G (NM_014639.3); short protein forms K691R.
Identifiers: ClinVar variation 1470213 (VCV001470213.6), dbSNP rs754764122, ClinGen allele CA3347176.